The following is an entry in ClinVar:

ClinVar aggregate classification (germline): Likely benign (1 of 4 stars; one submission).

Allele frequency attached by ClinVar (database versions not stated): gnomAD 0.00001; TOPMed 0.00001.

Submission:

GeneDx
Classification: Likely benign. Last evaluated: 2017-03-02. Review status: criteria provided, single submitter. Criteria: GeneDx Variant Classification (06012015). Collection method: clinical testing. Allele origin: germline. Affected: yes.
Comment: This variant is considered likely benign or benign based on one or more of the following criteria: it is a conservative change, it occurs at a poorly conserved position in the protein, it is predicted to be benign by multiple in silico algorithms, and/or has population frequency not consistent with disease.

NM_014946.4(SPAST):c.816A>G (p.Leu272=)

Gene: SPAST (spastin; plus strand). Cytogenetic location: 2p22.3.
Variant type: single nucleotide variant.
Coding change: c.816A>G on transcript NM_014946.4 (MANE Select); coding-DNA position 816, A replaced by G.
Protein change: p.Leu272=; no amino-acid change (leucine 272 retained).
Molecular consequence: synonymous variant.
Genome position (GRCh38, 1-based): chr2:32,114,771, A>G. VCF-style: chr2-32114771-A-G. GRCh37 (hg19) VCF-style: chr2-32339840-A-G.
Other names: c.813A>G, p.Leu271= (NM_001363823.2); c.717A>G, p.Leu239= (NM_001363875.2); c.720A>G, p.Leu240= (NM_001377959.1, NM_199436.2).
Identifiers: ClinVar variation 507741 (VCV000507741.1), dbSNP rs1239753392, ClinGen allele CA425445488.